The following is an entry in ClinVar:

ClinVar aggregate classification (germline): Uncertain significance (1 of 4 stars; one submission).

Conditions:
Disseminated atypical mycobacterial infection. Identifiers: MedGen C0694566.

gnomAD v4.1: 19 of 1,601,772 alleles (0.0012%); highest among the groups gnomAD compares: Non-Finnish European, 0.0015%; no homozygotes.

Submission:

Labcorp Genetics (formerly Invitae), Labcorp
Classification: Uncertain significance for Disseminated atypical mycobacterial infection. Last evaluated: 2025-06-17. Review status: criteria provided, single submitter. Criteria: Invitae Variant Classification Sherloc (09022015). Collection method: clinical testing. Allele origin: germline.
Comment: This sequence change replaces glutamic acid, which is acidic and polar, with lysine, which is basic and polar, at codon 278 of the IFNGR1 protein (p.Glu278Lys). This variant is present in population databases (no rsID available, gnomAD 0.0009%). This variant has not been reported in the literature in individuals affected with IFNGR1-related conditions. ClinVar contains an entry for this variant (Variation ID: 2881799). Invitae Evidence Modeling of protein sequence and biophysical properties (such as structural, functional, and spatial information, amino acid conservation, physicochemical variation, residue mobility, and thermodynamic stability) indicates that this missense variant is not expected to disrupt IFNGR1 protein function with a negative predictive value of 80%. In summary, the available evidence is currently insufficient to determine the role of this variant in disease. Therefore, it has been classified as a Variant of Uncertain Significance.

NM_000416.3(IFNGR1):c.832G>A (p.Glu278Lys)

Gene: IFNGR1 (interferon gamma receptor 1; minus strand). Cytogenetic location: 6q23.3.
Variant type: single nucleotide variant.
Coding change: c.832G>A on transcript NM_000416.3 (MANE Select); coding-DNA position 832, G replaced by A.
Protein change: p.Glu278Lys; replaces glutamic acid 278 with lysine.
Molecular consequence: missense variant.
Genome position (GRCh38, 1-based): chr6:137,200,910, C>T on the plus strand (G>A on the coding strand, the complement: IFNGR1 is on the minus strand). VCF-style: chr6-137200910-C-T. GRCh37 (hg19) VCF-style: chr6-137522047-C-T.
Other names: c.802G>A, p.Glu268Lys (NM_001363526.1); c.709G>A, p.Glu237Lys (NM_001363527.1); short protein forms E237K, E268K, E278K.
Identifiers: ClinVar variation 2881799 (VCV002881799.3), dbSNP rs1398642871, ClinGen allele CA365773817.
Genomic context (GRCh38, chr6:137,200,910, plus strand): 5'-TTAGTGTATATAAAAAAATTAAATACATTACCAAGGACTTGGGTAATATTATGCTTTTTT[C>T]CTTCAATGGATTAATTTTCTTAATATAAAAACAGATGAATACCAGGCTAAGCACTAGAAA-3'
Protein context (NP_000407.1, residues 268-288): FYIKKINPLK[Glu278Lys]KSIILPKSLI